The following is an entry in ClinVar:

ClinVar aggregate classification (germline): Uncertain significance (1 of 4 stars; one submission).

Conditions:
Neurofibromatosis, type 1 (NF1). Also called: Peripheral type neurofibromatosis; NEUROFIBROMATOSIS, TYPE I, SOMATIC; Neurofibromatosis, type I; VON RECKLINGHAUSEN DISEASE. Identifiers: Orphanet 636, MedGen C0027831, MONDO:0018975, OMIM 162200. Disease mechanism: loss of function.

Allele frequency attached by ClinVar (database versions not stated): gnomAD exomes below 0.00001.
gnomAD v4.1: 3 of 1,613,912 alleles (0.00019%); highest among the groups gnomAD compares: South Asian, 0.0022%; no homozygotes.

Submission:

Labcorp Genetics (formerly Invitae), Labcorp
Classification: Uncertain significance for Neurofibromatosis, type 1. Last evaluated: 2024-12-19. Review status: criteria provided, single submitter. Criteria: Invitae Variant Classification Sherloc (09022015). Collection method: clinical testing. Allele origin: germline.
Comment: This sequence change falls in intron 8 of the NF1 gene. It does not directly change the encoded amino acid sequence of the NF1 protein. This variant is not present in population databases (gnomAD no frequency). This variant has not been reported in the literature in individuals affected with NF1-related conditions. ClinVar contains an entry for this variant (Variation ID: 2977707). Algorithms developed to predict the effect of sequence changes on RNA splicing suggest that this variant may disrupt the consensus splice site. In summary, the available evidence is currently insufficient to determine the role of this variant in disease. Therefore, it has been classified as a Variant of Uncertain Significance.

NM_001042492.3(NF1):c.889-9A>G

Gene: NF1 (neurofibromin 1; plus strand). Cytogenetic location: 17q11.2.
Variant type: single nucleotide variant.
Coding change: c.889-9A>G on transcript NM_001042492.3 (MANE Select); 9 bases into the intron before coding-DNA position 889, A replaced by G.
Molecular consequence: intron variant.
Genome position (GRCh38, 1-based): chr17:31,200,413, A>G. VCF-style: chr17-31200413-A-G. GRCh37 (hg19) VCF-style: chr17-29527431-A-G.
Other names: c.889-9A>G (NM_000267.4, NM_001128147.3).
Identifiers: ClinVar variation 2977707 (VCV002977707.3), dbSNP rs2143871729, ClinGen allele CA2637045139.
Genomic context (GRCh38, chr17:31,200,413, plus strand): 5'-TAATATTAGCTACATCTGGAATAGAAGAAACTTCATATATTATCTTATCGCTATATTTGA[A>G]TTCTGTAGAAGTTATTTCTGGACAGTCTACGAAAAGCTCTTGCTGGCCATGGAGGAAGTA-3'